The following is an entry in ClinVar:

ClinVar aggregate classification (germline): Conflicting classifications of pathogenicity. Review status: criteria provided, conflicting classifications (1 of 4 stars). 2 submissions from 2 submitters: Uncertain significance (1); Likely benign (1). Last evaluated 2025-11-07.

Conditions:
Hereditary cancer-predisposing syndrome. Also called: Neoplastic Syndromes, Hereditary; Tumor predisposition; Hereditary neoplastic syndrome; Hereditary Cancer Syndrome. Identifiers: Orphanet 140162, MedGen C0027672, MeSH D009386, MONDO:0015356.

Submissions (2):

Ambry Genetics
Classification: Uncertain significance for Hereditary cancer-predisposing syndrome. Last evaluated: 2025-11-07. Review status: criteria provided, single submitter. Criteria: Ambry Variant Classification Scheme 2023. Collection method: clinical testing. Allele origin: germline.
Comment: The p.T1609S variant (also known as c.4825A>T), located in coding exon 10 of the BRCA2 gene, results from an A to T substitution at nucleotide position 4825. The threonine at codon 1609 is replaced by serine, an amino acid with similar properties. This amino acid position is poorly conserved in available vertebrate species. In addition, this alteration is predicted to be tolerated by in silico analysis. Since supporting evidence is limited at this time, the clinical significance of this alteration remains unclear.

University of Washington Department of Laboratory Medicine, University of Washington
Classification: Likely benign for Hereditary cancer-predisposing syndrome. Last evaluated: 2023-03-23. Review status: criteria provided, single submitter. Criteria: Dines et al. (Genet Med. 2020). Collection method: curation. Allele origin: germline.
Comment: Missense variant in a coldspot region where missense variants are very unlikely to be pathogenic (PMID:31911673).

BRCA2 exon 11 coldspot. Reclassification based on statistical prior probability.

NM_000059.4(BRCA2):c.4825A>T (p.Thr1609Ser)

Gene: BRCA2 (BRCA2 DNA repair associated; plus strand). Cytogenetic location: 13q13.1.
Variant type: single nucleotide variant.
Coding change: c.4825A>T on transcript NM_000059.4 (MANE Select); coding-DNA position 4825, A replaced by T.
Protein change: p.Thr1609Ser; replaces threonine 1609 with serine.
Molecular consequence: missense variant.
Genome position (GRCh38, 1-based): chr13:32,339,180, A>T. VCF-style: chr13-32339180-A-T. GRCh37 (hg19) VCF-style: chr13-32913317-A-T.
Other names: short protein forms T1609S.
Identifiers: ClinVar variation 825208 (VCV000825208.7), dbSNP rs876659201, ClinGen allele CA387783306.